The following is an entry in ClinVar:

ClinVar aggregate classification (germline): Uncertain significance (1 of 4 stars; one submission).

Allele frequency attached by ClinVar (database versions not stated): gnomAD 0.00001 and 0.00002; gnomAD exomes 0.00001 and 0.00003; ExAC 0.00004.
gnomAD v4.1: 11 of 1,614,078 alleles (0.00068%); highest among the groups gnomAD compares: Admixed American, 0.013%; no homozygotes.

Submission:

Labcorp Genetics (formerly Invitae), Labcorp
Classification: Uncertain significance. Last evaluated: 2022-11-11. Review status: criteria provided, single submitter. Criteria: Invitae Variant Classification Sherloc (09022015). Collection method: clinical testing. Allele origin: germline.
Comment: This sequence change replaces threonine, which is neutral and polar, with alanine, which is neutral and non-polar, at codon 578 of the ADCY1 protein (p.Thr578Ala). This variant is present in population databases (rs767584608, gnomAD 0.01%). This variant has not been reported in the literature in individuals affected with ADCY1-related conditions. ClinVar contains an entry for this variant (Variation ID: 1427438). Advanced modeling of protein sequence and biophysical properties (such as structural, functional, and spatial information, amino acid conservation, physicochemical variation, residue mobility, and thermodynamic stability) performed at Invitae indicates that this missense variant is expected to disrupt ADCY1 protein function. In summary, the available evidence is currently insufficient to determine the role of this variant in disease. Therefore, it has been classified as a Variant of Uncertain Significance.

NM_021116.4(ADCY1):c.1732A>G (p.Thr578Ala)

Gene: ADCY1 (adenylate cyclase 1; plus strand). Cytogenetic location: 7p12.3.
Variant type: single nucleotide variant.
Coding change: c.1732A>G on transcript NM_021116.4 (MANE Select); coding-DNA position 1732, A replaced by G.
Protein change: p.Thr578Ala; replaces threonine 578 with alanine.
Molecular consequence: missense variant.
Genome position (GRCh38, 1-based): chr7:45,677,995, A>G. VCF-style: chr7-45677995-A-G. GRCh37 (hg19) VCF-style: chr7-45717594-A-G.
Other names: short protein forms T578A.
Identifiers: ClinVar variation 1427438 (VCV001427438.6), dbSNP rs767584608, ClinGen allele CA4249016.